The following is an entry in ClinVar:

NM_182931.3(KMT2E):c.3560A>C (p.His1187Pro)

Gene: KMT2E (lysine methyltransferase 2E (inactive); plus strand). Cytogenetic location: 7q22.3.
Variant type: single nucleotide variant.
Coding change: c.3560A>C on transcript NM_182931.3 (MANE Select); coding-DNA position 3560, A replaced by C.
Protein change: p.His1187Pro; replaces histidine 1187 with proline.
Molecular consequence: missense variant.
Genome position (GRCh38, 1-based): chr7:105,109,033, A>C. VCF-style: chr7-105109033-A-C. GRCh37 (hg19) VCF-style: chr7-104749480-A-C.
Other names: c.3560A>C, p.His1187Pro (NM_001410908.1, NM_018682.4); short protein forms H1187P.
Identifiers: ClinVar variation 4741094 (VCV004741094.1).

ClinVar aggregate classification (germline): Uncertain significance (1 of 4 stars; one submission).

gnomAD v4.1: 1 of 1,614,076 alleles (0.000062%); highest among the groups gnomAD compares: Non-Finnish European, 0.000085%; no homozygotes.

Submission:

Labcorp Genetics (formerly Invitae), Labcorp
Classification: Uncertain significance. Last evaluated: 2025-07-02. Review status: criteria provided, single submitter. Criteria: Invitae Variant Classification Sherloc (09022015). Collection method: clinical testing. Allele origin: germline.
Comment: This sequence change replaces histidine, which is basic and polar, with proline, which is neutral and non-polar, at codon 1187 of the KMT2E protein (p.His1187Pro). This variant is not present in population databases (gnomAD no frequency). This variant has not been reported in the literature in individuals affected with KMT2E-related conditions. Invitae Evidence Modeling of protein sequence and biophysical properties (such as structural, functional, and spatial information, amino acid conservation, physicochemical variation, residue mobility, and thermodynamic stability) indicates that this missense variant is not expected to disrupt KMT2E protein function with a negative predictive value of 80%. In summary, the available evidence is currently insufficient to determine the role of this variant in disease. Therefore, it has been classified as a Variant of Uncertain Significance.